The following is an entry in ClinVar:

NM_004990.4(MARS1):c.2685dup (p.Gly896fs)

Gene: MARS1 (methionyl-tRNA synthetase 1; plus strand). Cytogenetic location: 12q13.3.
Variant type: Duplication.
Coding change: c.2685dup on transcript NM_004990.4 (MANE Select); coding-DNA position 2685, one base duplicated (A; older notation c.2685dupA).
Protein change: p.Gly896fs; shifts the reading frame from glycine 896.
Molecular consequence: frameshift variant.
Genome position (GRCh38, 1-based): chr12:57,516,563, A duplicated; the last of 3 consecutive A bases (chr12:57,516,561-57,516,563); duplicating any one gives the same sequence. VCF-style (leftmost placement, unchanged base first): chr12-57516560-T-TA. GRCh37 (hg19) VCF-style: chr12-57910343-T-TA.
Other names: short protein forms G896fs.
Identifiers: ClinVar variation 2946981 (VCV002946981.3), dbSNP rs2540323920, ClinGen allele CA2740092408.
Genomic context (GRCh38, chr12:57,516,560, plus strand): 5'-GAAACTCTTGGATCTAAAGAAACAGTTGGCTGTAGCTGAGGGGAAACCCCCTGAAGCCCC[T>TA]AAAGGCAAGAAGAAAAAGTAAAAGACCTTGGCTCATAGAAAGTCACTTTAATAGATAGGG-3'

ClinVar aggregate classification (germline): Uncertain significance (1 of 4 stars; one submission).

Conditions:
Charcot-Marie-Tooth disease axonal type 2U. Also called: CHARCOT-MARIE-TOOTH NEUROPATHY, TYPE 2U; CHARCOT-MARIE-TOOTH DISEASE, AXONAL, AUTOSOMAL DOMINANT, TYPE 2U. Identifiers: Orphanet 397735, MedGen C4084821, MONDO:0014566, OMIM 616280.
Severe early-onset pulmonary alveolar proteinosis due to MARS deficiency. Also called: PULMONARY ALVEOLAR PROTEINOSIS, REUNION ISLAND; Interstitial lung and liver disease. Identifiers: Orphanet 440427, MedGen C4225400, MONDO:0014206, OMIM 615486.

Submission:

Labcorp Genetics (formerly Invitae), Labcorp
Classification: Uncertain significance for Charcot-Marie-Tooth disease axonal type 2U; Severe early-onset pulmonary alveolar proteinosis due to MARS deficiency. Last evaluated: 2023-04-22. Review status: criteria provided, single submitter. Criteria: Invitae Variant Classification Sherloc (09022015). Collection method: clinical testing. Allele origin: germline.
Comment: In summary, the available evidence is currently insufficient to determine the role of this variant in disease. Therefore, it has been classified as a Variant of Uncertain Significance. Experimental studies and prediction algorithms are not available or were not evaluated, and the functional significance of this variant is currently unknown. This variant has not been reported in the literature in individuals affected with MARS-related conditions. This variant is not present in population databases (gnomAD no frequency). This sequence change results in a frameshift in the MARS gene (p.Gly896Argfs*12). While this is not anticipated to result in nonsense mediated decay, it is expected to disrupt the last 5 amino acid(s) of the MARS protein and extend the protein by 6 additional amino acid residues.